The following is an entry in ClinVar:

ClinVar aggregate classification (germline): Likely benign. Review status: criteria provided, multiple submitters, no conflicts (2 of 4 stars). 2 submissions from 2 submitters: Likely benign (2). Last evaluated 2025-04-01.

Submissions (2):

CeGaT Center for Human Genetics Tuebingen
Classification: Likely benign. Last evaluated: 2025-04-01. Review status: criteria provided, single submitter. Criteria: CeGaT Center For Human Genetics Tuebingen Variant Classification Criteria Version 2. Collection method: clinical testing. Allele origin: germline. Affected: yes. Observed: 2 variant alleles.
Comment: CTNND2: BS1

GeneDx
Classification: Likely benign. Last evaluated: 2019-11-08. Review status: criteria provided, single submitter. Criteria: GeneDx Variant Classification Process June 2021. Collection method: clinical testing. Allele origin: germline. Affected: yes.

NM_001332.4(CTNND2):c.656CGC[6] (p.Pro225_Pro226del)

Gene: CTNND2 (catenin delta 2; minus strand). Cytogenetic location: 5p15.2.
Variant type: Microsatellite.
Coding change: c.656CGC[6] on transcript NM_001332.4 (MANE Select); six copies in a row of the 3-base unit CGC starting at c.656; the reference has eight copies in a row; two copies, 6 bases deleted.
Protein change: p.Pro225_Pro226del.
Molecular consequence: inframe deletion. On other transcripts: intron variant (3).
Genome position (GRCh38, 1-based): chr5:11,385,163-11,385,168, GCGGCG deleted on the plus strand (CGCCGC on the coding strand, the reverse complement: CTNND2 is on the minus strand); deleting any 6 consecutive bases within chr5:11,385,163-11,385,186 gives the same sequence; the position shown is the placement nearest the transcript's 3' end. VCF-style (leftmost placement, unchanged base first): chr5-11385162-CGCGGCG-C. GRCh37 (hg19) VCF-style: chr5-11385274-CGCGGCG-C.
Other names: c.383CGC[6], p.Pro134_Pro135del (NM_001288715.1); c.-123+11845CGC[6] (NM_001288717.2); c.167-20296CGC[6] (NM_001364128.2, NM_001288716.1).
Identifiers: ClinVar variation 1318977 (VCV001318977.16), dbSNP rs557341981, ClinGen allele CA114394860.